The following is an entry in ClinVar:

NM_006922.4(SCN3A):c.251A>T (p.Tyr84Phe)

Gene: SCN3A (sodium voltage-gated channel alpha subunit 3; minus strand). Cytogenetic location: 2q24.3.
Variant type: single nucleotide variant.
Coding change: c.251A>T on transcript NM_006922.4 (MANE Select); coding-DNA position 251, A replaced by T.
Protein change: p.Tyr84Phe; replaces tyrosine 84 with phenylalanine.
Molecular consequence: missense variant.
Genome position (GRCh38, 1-based): chr2:165,176,144, T>A on the plus strand (A>T on the coding strand, the complement: SCN3A is on the minus strand). VCF-style: chr2-165176144-T-A. GRCh37 (hg19) VCF-style: chr2-166032654-T-A.
Other names: c.251A>T, p.Tyr84Phe (NM_001081676.2, NM_001081677.2); short protein forms Y84F.
Identifiers: ClinVar variation 4819154 (VCV004819154.1).

ClinVar aggregate classification (germline): Uncertain significance (1 of 4 stars; one submission).

Conditions:
Epilepsy, familial focal, with variable foci 1 (FFEVF1). Also called: DEPDC5-Related Epilepsy. Identifiers: MedGen C4551983, MONDO:0024556, OMIM 604364.

Submission:

Institute of Human Genetics, University of Leipzig Medical Center
Classification: Uncertain significance for Epilepsy, familial focal, with variable foci 1. Last evaluated: 2026-02-09. Review status: criteria provided, single submitter. Criteria: ACMG Guidelines, 2015. Collection method: clinical testing. Allele origin: unknown. Inheritance: Autosomal dominant inheritance. Affected: yes.
Comment: Criteria applied: PP3_MOD,PM2_SUP